The following is an entry in ClinVar:

NM_000138.5(FBN1):c.6130T>G (p.Phe2044Val)

Gene: FBN1 (fibrillin 1; minus strand). Cytogenetic location: 15q21.1.
Variant type: single nucleotide variant.
Coding change: c.6130T>G on transcript NM_000138.5 (MANE Select); coding-DNA position 6130, T replaced by G.
Protein change: p.Phe2044Val; replaces phenylalanine 2044 with valine.
Molecular consequence: missense variant.
Genome position (GRCh38, 1-based): chr15:48,441,754, A>C on the plus strand (T>G on the coding strand, the complement: FBN1 is on the minus strand). VCF-style: chr15-48441754-A-C. GRCh37 (hg19) VCF-style: chr15-48733951-A-C.
Other names: short protein forms F2044V.
Identifiers: ClinVar variation 840655 (VCV000840655.10), dbSNP rs2043116688, ClinGen allele CA392338092.

ClinVar aggregate classification (germline): Uncertain significance. Review status: criteria provided, multiple submitters, no conflicts (2 of 4 stars). 2 submissions from 2 submitters: Uncertain significance (2). Last evaluated 2025-02-04.

Conditions:
Familial thoracic aortic aneurysm and aortic dissection (TAAD). Also called: Thoracic aortic aneurysms and dissections. Identifiers: Orphanet 91387, MedGen C4707243, MONDO:0019625.
Marfan syndrome (MFS). Also called: FBN1-Related Marfan Syndrome; Marfan's syndrome; MARFAN SYNDROME, TYPE I; Marfan syndrome type 1; Marfan syndrome, classic. Identifiers: Orphanet 284963, Orphanet 558, MedGen C0024796, MONDO:0007947, OMIM 154700.

Allele frequency attached by ClinVar (database versions not stated): gnomAD exomes below 0.00001.
gnomAD v4.1: 1 of 1,613,668 alleles (0.000062%); highest among the groups gnomAD compares: Non-Finnish European, 0.000085%; no homozygotes.

Submissions (2):

GeneDx
Classification: Uncertain significance. Last evaluated: 2025-02-04. Review status: criteria provided, single submitter. Criteria: GeneDx Variant Classification Process June 2021. Collection method: clinical testing. Allele origin: germline. Affected: yes.
Comment: Not observed at significant frequency in large population cohorts (gnomAD); In silico analysis supports that this missense variant has a deleterious effect on protein structure/function; Has not been previously published as pathogenic or benign to our knowledge; This variant is associated with the following publications: (PMID: 12938084)

Labcorp Genetics (formerly Invitae), Labcorp
Classification: Uncertain significance for Marfan syndrome; Familial thoracic aortic aneurysm and aortic dissection. Last evaluated: 2024-10-22. Review status: criteria provided, single submitter. Criteria: Invitae Variant Classification Sherloc (09022015). Collection method: clinical testing. Allele origin: germline.
Comment: This sequence change replaces phenylalanine, which is neutral and non-polar, with valine, which is neutral and non-polar, at codon 2044 of the FBN1 protein (p.Phe2044Val). This variant is not present in population databases (gnomAD no frequency). This missense change has been observed in individual(s) with clinical features of FBN1-related conditions (internal data). ClinVar contains an entry for this variant (Variation ID: 840655). Invitae Evidence Modeling of protein sequence and biophysical properties (such as structural, functional, and spatial information, amino acid conservation, physicochemical variation, residue mobility, and thermodynamic stability) indicates that this missense variant is expected to disrupt FBN1 protein function with a positive predictive value of 95%. In summary, the available evidence is currently insufficient to determine the role of this variant in disease. Therefore, it has been classified as a Variant of Uncertain Significance.